The following is an entry in ClinVar:

NM_015272.5(RPGRIP1L):c.3312C>T (p.Pro1104=)

Gene: RPGRIP1L (RPGRIP1 like; minus strand). Cytogenetic location: 16q12.2.
Variant type: single nucleotide variant.
Coding change: c.3312C>T on transcript NM_015272.5 (MANE Select); coding-DNA position 3312, C replaced by T.
Protein change: p.Pro1104=; no amino-acid change (proline 1104 retained).
Molecular consequence: synonymous variant. On other transcripts: intron variant (2).
Genome position (GRCh38, 1-based): chr16:53,622,339, G>A on the plus strand (C>T on the coding strand, the complement: RPGRIP1L is on the minus strand). VCF-style: chr16-53622339-G-A. GRCh37 (hg19) VCF-style: chr16-53656251-G-A.
Other names: c.3210C>T, p.Pro1070= (NM_001330538.2); c.3193-3131C>T (NM_001127897.4); c.3295-3131C>T (NM_001308334.3).
Identifiers: ClinVar variation 260604 (VCV000260604.40), dbSNP rs568801926, ClinGen allele CA8057298.

ClinVar aggregate classification (germline): Conflicting classifications of pathogenicity. Review status: criteria provided, conflicting classifications (1 of 4 stars). 10 submissions from 8 submitters: Uncertain significance (3); Likely benign (5). 2 of the submissions do not count toward it. Last evaluated 2026-01-05.

Conditions:
Joubert syndrome. Also called: JOUBERT-BOLTSHAUSER SYNDROME; Familial aplasia of the vermis. Identifiers: Orphanet 475, MedGen C5979921, MONDO:0018772.
Meckel-Gruber syndrome. Also called: DYSENCEPHALIA SPLANCHNOCYSTICA; GRUBER SYNDROME; Dysencephalia splachnocystica. Identifiers: Orphanet 564, MedGen C0265215, MONDO:0018921.
Nephronophthisis 8. Identifiers: MedGen CN119610.
Meckel syndrome, type 5 (MKS5). Identifiers: Orphanet 564, MedGen C1969052, MONDO:0012695, OMIM 611561.
Joubert syndrome 7 (JBTS7). Identifiers: Orphanet 220497, MedGen C1969053, MONDO:0012694, OMIM 611560.

Allele frequency attached by ClinVar (database versions not stated): ExAC 0.00014; TOPMed 0.00034; gnomAD exomes 0.00036; gnomAD 0.00045 and 0.00046.
gnomAD v4.1: 331 of 632,882 alleles (0.052%); highest among the groups gnomAD compares: Non-Finnish European, 0.077%; no homozygotes.

Submissions (10):

Labcorp Genetics (formerly Invitae), Labcorp
Classification: Likely benign for Joubert syndrome; Meckel-Gruber syndrome. Last evaluated: 2026-01-05. Review status: criteria provided, single submitter. Criteria: Invitae Variant Classification Sherloc (09022015). Collection method: clinical testing. Allele origin: germline.

CeGaT Center for Human Genetics Tuebingen
Classification: Likely benign. Last evaluated: 2023-11-01. Review status: criteria provided, single submitter. Criteria: CeGaT Center For Human Genetics Tuebingen Variant Classification Criteria Version 2. Collection method: clinical testing. Allele origin: germline. Affected: yes. Observed: 2 variant alleles.
Comment: RPGRIP1L: BP4, BP7

Blueprint Genetics
Classification: Likely benign. Last evaluated: 2022-07-11. Review status: criteria provided, single submitter. Criteria: ACMG Guidelines, 2015. Collection method: clinical testing. Allele origin: germline.

Illumina Laboratory Services, Illumina
Classification: Uncertain significance for Meckel syndrome, type 5. Last evaluated: 2018-01-13. Review status: criteria provided, single submitter. Criteria: ICSL Variant Classification Criteria 13 December 2019. Collection method: clinical testing. Allele origin: germline.

Illumina Laboratory Services, Illumina
Classification: Uncertain significance for Joubert syndrome 7. Last evaluated: 2018-01-13. Review status: criteria provided, single submitter. Criteria: ICSL Variant Classification Criteria 13 December 2019. Collection method: clinical testing. Allele origin: germline.

Illumina Laboratory Services, Illumina
Classification: Uncertain significance for Nephronophthisis 8. Last evaluated: 2018-01-13. Review status: criteria provided, single submitter. Criteria: ICSL Variant Classification Criteria 13 December 2019. Collection method: clinical testing. Allele origin: germline.

GeneDx
Classification: Likely benign. Last evaluated: 2016-05-25. Review status: criteria provided, single submitter. Criteria: GeneDx Variant Classification (06012015). Collection method: clinical testing. Allele origin: germline. Affected: yes.
Comment: This variant is considered likely benign or benign based on one or more of the following criteria: it is a conservative change, it occurs at a poorly conserved position in the protein, it is predicted to be benign by multiple in silico algorithms, and/or has population frequency not consistent with disease.

PreventionGenetics, part of Exact Sciences
Classification: Likely benign. Review status: criteria provided, single submitter. Criteria: ACMG Guidelines, 2015. Collection method: clinical testing. Allele origin: germline.

Clinical Genetics DNA and cytogenetics Diagnostics Lab, Erasmus MC, Erasmus Medical Center
Classification: Likely benign. Review status: no assertion criteria provided. Collection method: clinical testing. Allele origin: germline. Affected: yes. Study: VKGL Data-share Consensus. Not counted in ClinVar's aggregate classification.

Genome Diagnostics Laboratory, University Medical Center Utrecht
Classification: Likely benign. Review status: no assertion criteria provided. Collection method: clinical testing. Allele origin: germline. Affected: yes. Study: VKGL Data-share Consensus. Not counted in ClinVar's aggregate classification.